The following is an entry in ClinVar:

NM_033305.3(VPS13A):c.4242+1G>T

Gene: VPS13A (vacuolar protein sorting 13 homolog A; plus strand). Cytogenetic location: 9q21.2.
Variant type: single nucleotide variant.
Coding change: c.4242+1G>T on transcript NM_033305.3 (MANE Select); the canonical splice donor site of the intron after coding-DNA position 4242, G replaced by T.
Molecular consequence: splice donor variant.
Genome position (GRCh38, 1-based): chr9:77,314,120, G>T. VCF-style: chr9-77314120-G-T. GRCh37 (hg19) VCF-style: chr9-79929036-G-T.
Other names: c.4242+1G>T (NM_033305.2, NM_015186.4, NM_001018038.3); c.4125+1G>T (NM_001018037.2).
Identifiers: ClinVar variation 1458993 (VCV001458993.10), dbSNP rs754245019, ClinGen allele CA5092468.

ClinVar aggregate classification (germline): Pathogenic. Review status: criteria provided, multiple submitters, no conflicts (2 of 4 stars). 3 submissions from 3 submitters: Pathogenic (3). Last evaluated 2026-02-09.

Conditions:
VPS13A-related neurodegenerative disease. Also called: Choreaacanthocytosis; ACANTHOCYTOSIS WITH NEUROLOGIC DISORDER; LEVINE-CRITCHLEY SYNDROME; Choreoacanthocytosis; Chorea-acanthocytosis; VPS13A Disease. Identifiers: Orphanet 2388, MedGen C0393576, MONDO:0008695, OMIM 200150.

Allele frequency attached by ClinVar (database versions not stated): ExAC 0.00001; gnomAD exomes 0.00001.
gnomAD v4.1: 7 of 1,612,840 alleles (0.00043%); highest among the groups gnomAD compares: East Asian, 0.0067%; no homozygotes.

Submissions (3):

Myriad Genetics, Inc.
Classification: Pathogenic for VPS13A-related neurodegenerative disease. Last evaluated: 2026-02-09. Review status: criteria provided, single submitter. Criteria: Myriad Autosomal Dominant, Autosomal Recessive and X-Linked Classification Criteria (2023). Collection method: clinical testing. Allele origin: unknown.
Comment: NM_033305.2(VPS13A):c.4242+1G>T is a variant in a canonical splice site classified as pathogenic in the context of VPS13A disease. c.4242+1G>T has been observed in cases with relevant disease (PMID: 12404112, 15918062). Relevant functional assessments of this variant are available in the literature (PMID: 15918062). c.4242+1G>T has been observed in referenced population frequency databases. In summary, NM_033305.2(VPS13A):c.4242+1G>T is a variant in a canonical splice site in a gene where loss of function is a known mechanism of disease, is predicted to disrupt protein function, and has been observed more frequently in cases with the relevant disease than in healthy populations. Please note: this variant was assessed in the context of healthy population screening.

Natera, Inc.
Classification: Pathogenic for Choreaacanthocytosis. Last evaluated: 2024-05-01. Review status: criteria provided, single submitter. Criteria: Natera Variant Classification Schema (03/2026). Collection method: clinical testing. Allele origin: germline.
Comment: The c.4242+1G>T variant in VPS13A is a canonical splice donor site variant predicted to affect pre-mRNA splicing, which may result in an abnormal transcript and altered protein product. This variant is expected to result in nonsense mediated decay, truncation, or a dysfunctional protein product. This variant is rare in the general population with a frequency below the threshold expected for the associated phenotype(s). This variant has been observed in one or more individuals affected with the associated recessive disease, as either homozygous or compound heterozygous with a second variant (PMID: 15918062, 12404112). Additionally, this variant has been observed to segregate in affected family members (PMID: 15918062). Given the available evidence, this variant is classified as Pathogenic.

Labcorp Genetics (formerly Invitae), Labcorp
Classification: Pathogenic. Last evaluated: 2024-03-01. Review status: criteria provided, single submitter. Criteria: Invitae Variant Classification Sherloc (09022015). Collection method: clinical testing. Allele origin: germline.
Comment: This sequence change affects a donor splice site in intron 36 of the VPS13A gene. It is expected to disrupt RNA splicing. Variants that disrupt the donor or acceptor splice site typically lead to a loss of protein function (PMID: 16199547), and loss-of-function variants in VPS13A are known to be pathogenic (PMID: 12404112, 21598378). This variant is present in population databases (rs754245019, gnomAD 0.02%). Disruption of this splice site has been observed in individual(s) with chorea-acanthocytosis (PMID: 12404112, 15918062). In at least one individual the data is consistent with being in trans (on the opposite chromosome) from a pathogenic variant. It has also been observed to segregate with disease in related individuals. ClinVar contains an entry for this variant (Variation ID: 1458993). Algorithms developed to predict the effect of sequence changes on RNA splicing suggest that this variant may disrupt the consensus splice site. For these reasons, this variant has been classified as Pathogenic.

Literature cited by the submitters: PubMed 12404112 (cited by 3 submitters); PubMed 15918062 (cited by 3 submitters); PubMed 16199547 (cited by Labcorp Genetics (formerly Invitae), Labcorp); PubMed 21598378 (cited by Labcorp Genetics (formerly Invitae), Labcorp).